The following is an entry in ClinVar:

ClinVar aggregate classification (germline): Likely benign (1 of 4 stars; one submission).

Allele frequency attached by ClinVar (database versions not stated): gnomAD exomes 0.00024; 1000 Genomes Project 30x 0.00031; ExAC 0.00033; 1000 Genomes Project 0.00040.
gnomAD v4.1: 228 of 1,540,574 alleles (0.015%); highest among the groups gnomAD compares: South Asian, 0.047%; 1 homozygote.

Submission:

CeGaT Center for Human Genetics Tuebingen
Classification: Likely benign. Last evaluated: 2025-07-01. Review status: criteria provided, single submitter. Criteria: CeGaT Center For Human Genetics Tuebingen Variant Classification Criteria Version 2. Collection method: clinical testing. Allele origin: germline. Affected: yes. Observed: 5 variant alleles.
Comment: HERC2: BP4, BP7

NM_004667.6(HERC2):c.7383C>T (p.Ile2461=)

Gene: HERC2 (HECT and RLD domain containing E3 ubiquitin protein ligase 2; minus strand). Cytogenetic location: 15q13.1.
Variant type: single nucleotide variant.
Coding change: c.7383C>T on transcript NM_004667.6 (MANE Select); coding-DNA position 7383, C replaced by T.
Protein change: p.Ile2461=; no amino-acid change (isoleucine 2461 retained).
Molecular consequence: synonymous variant.
Genome position (GRCh38, 1-based): chr15:28,202,444, G>A on the plus strand (C>T on the coding strand, the complement: HERC2 is on the minus strand). VCF-style: chr15-28202444-G-A. GRCh37 (hg19) VCF-style: chr15-28447590-G-A.
Identifiers: ClinVar variation 1694739 (VCV001694739.31), dbSNP rs573275628, ClinGen allele CA7441832.